The following is an entry in ClinVar:

ClinVar aggregate classification (germline): Uncertain significance (1 of 4 stars; one submission).

Conditions:
CHARGE syndrome (CHARGE). Also called: Hittner Hirsch Kreh syndrome; CHARGE ASSOCIATION--COLOBOMA, HEART ANOMALY, CHOANAL ATRESIA, RETARDATION, GENITAL AND EAR ANOMALIES; Coloboma, heart anomaly, choanal atresia, retardation, genital and ear anomalies; CHARGE association; Hall-Hittner syndrome. Identifiers: Orphanet 138, MedGen C0265354, MONDO:0008965.

Submission:

Labcorp Genetics (formerly Invitae), Labcorp
Classification: Uncertain significance for CHARGE syndrome. Last evaluated: 2025-10-29. Review status: criteria provided, single submitter. Criteria: Invitae Variant Classification Sherloc (09022015). Collection method: clinical testing. Allele origin: germline.
Comment: This sequence change replaces tryptophan, which is neutral and slightly polar, with cysteine, which is neutral and slightly polar, at codon 908 of the CHD7 protein (p.Trp908Cys). This variant is not present in population databases (gnomAD no frequency). This variant has not been reported in the literature in individuals affected with CHD7-related conditions. Invitae Evidence Modeling of protein sequence and biophysical properties (such as structural, functional, and spatial information, amino acid conservation, physicochemical variation, residue mobility, and thermodynamic stability) indicates that this missense variant is expected to disrupt CHD7 protein function with a positive predictive value of 95%. In summary, the available evidence is currently insufficient to determine the role of this variant in disease. Therefore, it has been classified as a Variant of Uncertain Significance.

NM_017780.4(CHD7):c.2724G>T (p.Trp908Cys)

Gene: CHD7 (chromodomain helicase DNA binding protein 7; plus strand). Cytogenetic location: 8q12.2.
Variant type: single nucleotide variant.
Coding change: c.2724G>T on transcript NM_017780.4 (MANE Select); coding-DNA position 2724, G replaced by T.
Protein change: p.Trp908Cys; replaces tryptophan 908 with cysteine.
Molecular consequence: missense variant. On other transcripts: intron variant (1).
Genome position (GRCh38, 1-based): chr8:60,821,816, G>T. VCF-style: chr8-60821816-G-T. GRCh37 (hg19) VCF-style: chr8-61734375-G-T.
Other names: c.1717-40413G>T (NM_001316690.1); short protein forms W908C.
Identifiers: ClinVar variation 4746288 (VCV004746288.1).